The following is an entry in ClinVar:

NM_002878.4(RAD51D):c.714C>T (p.Ala238=)

Genes: RAD51L3-RFFL (RAD51L3-RFFL readthrough; minus strand), RAD51D (RAD51 paralog D; minus strand). Cytogenetic location: 17q12.
Variant type: single nucleotide variant.
Coding change: c.714C>T on transcript NM_002878.4 (MANE Select); coding-DNA position 714, C replaced by T.
Protein change: p.Ala238=; no amino-acid change (alanine 238 retained).
Molecular consequence: synonymous variant. On other transcripts: non-coding transcript variant (3).
Genome position (GRCh38, 1-based): chr17:35,103,278, G>A on the plus strand (C>T on the coding strand, the complement: RAD51D is on the minus strand). VCF-style: chr17-35103278-G-A. GRCh37 (hg19) VCF-style: chr17-33430297-G-A.
Other names: c.774C>T, p.Ala258= (NM_001142571.2); c.378C>T, p.Ala126= (NM_133629.3).
Identifiers: ClinVar variation 630040 (VCV000630040.12), dbSNP rs780258990, ClinGen allele CA8499376.

ClinVar aggregate classification (germline): Benign/Likely benign. Review status: criteria provided, multiple submitters, no conflicts (2 of 4 stars). 4 submissions from 4 submitters: Benign (1); Likely benign (3). Last evaluated 2025-07-07.

Conditions:
Breast-ovarian cancer, familial, susceptibility to, 4. Identifiers: Orphanet 145, MedGen C3280345, MONDO:0013669, OMIM 614291.
Hereditary cancer-predisposing syndrome. Also called: Neoplastic Syndromes, Hereditary; Tumor predisposition; Hereditary neoplastic syndrome; Hereditary Cancer Syndrome. Identifiers: Orphanet 140162, MedGen C0027672, MeSH D009386, MONDO:0015356.

Allele frequency attached by ClinVar (database versions not stated): gnomAD exomes below 0.00001; ExAC 0.00001.
gnomAD v4.1: 1 of 1,611,350 alleles (0.000062%); highest among the groups gnomAD compares: Non-Finnish European, 0.000085%; no homozygotes.

Submissions (4):

Labcorp Genetics (formerly Invitae), Labcorp
Classification: Likely benign for Breast-ovarian cancer, familial, susceptibility to, 4. Last evaluated: 2025-07-07. Review status: criteria provided, single submitter. Criteria: Invitae Variant Classification Sherloc (09022015). Collection method: clinical testing. Allele origin: germline.

Myriad Genetics, Inc.
Classification: Benign for Breast-ovarian cancer, familial, susceptibility to, 4. Last evaluated: 2025-02-24. Review status: criteria provided, single submitter. Criteria: Myriad Autosomal Dominant, Autosomal Recessive and X-Linked Classification Criteria (2023). Collection method: clinical testing. Allele origin: unknown.
Comment: This variant is considered benign. This variant is a silent/synonymous amino acid change and it is not expected to impact splicing.

Ambry Genetics
Classification: Likely benign for Hereditary cancer-predisposing syndrome. Last evaluated: 2019-07-21. Review status: criteria provided, single submitter. Criteria: Ambry Variant Classification Scheme 2023. Collection method: clinical testing. Allele origin: germline.

Color Diagnostics, LLC DBA Color Health
Classification: Likely benign for Hereditary cancer-predisposing syndrome. Last evaluated: 2018-07-24. Review status: criteria provided, single submitter. Criteria: ACMG Guidelines, 2015. Collection method: clinical testing. Allele origin: germline.